The following is an entry in ClinVar:

ClinVar aggregate classification (germline): Likely benign. Review status: criteria provided, multiple submitters, no conflicts (2 of 4 stars). 2 submissions from 2 submitters: Likely benign (2). Last evaluated 2024-10-30.

Conditions:
Muscular dystrophy-dystroglycanopathy (congenital with brain and eye anomalies), type A2. Also called: MUSCULAR DYSTROPHY-DYSTROGLYCANOPATHY (CONGENITAL WITH BRAIN AND EYE ANOMALIES), TYPE A, 2; WALKER-WARBURG SYNDROME OR MUSCLE-EYE-BRAIN DISEASE, POMT2-RELATED. Identifiers: Orphanet 588, Orphanet 899, MedGen C3150411, MONDO:0013154, OMIM 613150.
Muscular dystrophy-dystroglycanopathy (congenital with impaired intellectual development), type B, 2. Also called: Muscular dystrophy-dystroglycanopathy (congenital with intellectual disability), type B2; MUSCULAR DYSTROPHY, CONGENITAL, POMT2-RELATED. Identifiers: MedGen C3150416, MONDO:0013160, OMIM 613156.
Autosomal recessive limb-girdle muscular dystrophy type 2N. Also called: MUSCULAR DYSTROPHY-DYSTROGLYCANOPATHY, LIMB-GIRDLE, POMT2-RELATED; Muscular dystrophy-dystroglycanopathy (limb-girdle), type C, 2. Identifiers: Orphanet 206559, MedGen C3150418, MONDO:0013162, OMIM 613158.

Allele frequency attached by ClinVar (database versions not stated): gnomAD exomes below 0.00001; TOPMed 0.00001.
gnomAD v4.1: 6 of 1,613,976 alleles (0.00037%); highest among the groups gnomAD compares: Admixed American, 0.0017%; no homozygotes.

Submissions (2):

Labcorp Genetics (formerly Invitae), Labcorp
Classification: Likely benign for Muscular dystrophy-dystroglycanopathy (congenital with impaired intellectual development), type B, 2; Muscular dystrophy-dystroglycanopathy (congenital with brain and eye anomalies), type A2; Autosomal recessive limb-girdle muscular dystrophy type 2N. Last evaluated: 2024-10-30. Review status: criteria provided, single submitter. Criteria: Invitae Variant Classification Sherloc (09022015). Collection method: clinical testing. Allele origin: germline.

GeneDx
Classification: Likely benign. Last evaluated: 2016-09-27. Review status: criteria provided, single submitter. Criteria: GeneDx Variant Classification (06012015). Collection method: clinical testing. Allele origin: germline. Affected: yes.
Comment: This variant is considered likely benign or benign based on one or more of the following criteria: it is a conservative change, it occurs at a poorly conserved position in the protein, it is predicted to be benign by multiple in silico algorithms, and/or has population frequency not consistent with disease.

NM_013382.7(POMT2):c.1983C>T (p.Leu661=)

Gene: POMT2 (protein O-mannosyltransferase 2; minus strand). Cytogenetic location: 14q24.3.
Variant type: single nucleotide variant.
Coding change: c.1983C>T on transcript NM_013382.7 (MANE Select); coding-DNA position 1983, C replaced by T.
Protein change: p.Leu661=; no amino-acid change (leucine 661 retained).
Molecular consequence: synonymous variant.
Genome position (GRCh38, 1-based): chr14:77,278,778, G>A on the plus strand (C>T on the coding strand, the complement: POMT2 is on the minus strand). VCF-style: chr14-77278778-G-A. GRCh37 (hg19) VCF-style: chr14-77745121-G-A.
Identifiers: ClinVar variation 389362 (VCV000389362.11), dbSNP rs1057523411, ClinGen allele CA16606588.
Genomic context (GRCh38, chr14:77,278,778, plus strand): 5'-GTGGCACTGACCTGTCAACATGCTTGAGAAGAGCATGGCTGGGAAGTAGTGGTGGAAGTA[G>A]AGGACCCGGCCCATCAGGAAAAACGGGAAGTAATGGAGTGTCCAGCCGAGCAGGACCTGG-3'
Protein context (NP_037514.2, residues 651-671): YFPFFLMGRV[Leu661=]YFHHYFPAML